The following is an entry in ClinVar:

NM_018026.4(PACS1):c.919G>A (p.Asp307Asn)

Gene: PACS1 (phosphofurin acidic cluster sorting protein 1; plus strand). Cytogenetic location: 11q13.2.
Variant type: single nucleotide variant.
Coding change: c.919G>A on transcript NM_018026.4 (MANE Select); coding-DNA position 919, G replaced by A.
Protein change: p.Asp307Asn; replaces aspartic acid 307 with asparagine.
Molecular consequence: missense variant.
Genome position (GRCh38, 1-based): chr11:66,216,716, G>A. VCF-style: chr11-66216716-G-A. GRCh37 (hg19) VCF-style: chr11-65984187-G-A.
Other names: short protein forms D307N.
Identifiers: ClinVar variation 2802817 (VCV002802817.3), dbSNP rs752296219, ClinGen allele CA6116385.

ClinVar aggregate classification (germline): Uncertain significance (1 of 4 stars; one submission).

Conditions:
Schuurs-Hoeijmakers syndrome. Also called: PACS1-Related Neurodevelopmental Disorder. Identifiers: Orphanet 329224, MedGen C3554343, MONDO:0014006, OMIM 615009.

Allele frequency attached by ClinVar (database versions not stated): ExAC 0.00001; gnomAD exomes 0.00001; gnomAD 0.00001.
gnomAD v4.1: 10 of 1,613,864 alleles (0.00062%); highest among the groups gnomAD compares: South Asian, 0.011%; no homozygotes.

Submission:

Labcorp Genetics (formerly Invitae), Labcorp
Classification: Uncertain significance for Schuurs-Hoeijmakers syndrome. Last evaluated: 2023-05-30. Review status: criteria provided, single submitter. Criteria: Invitae Variant Classification Sherloc (09022015). Collection method: clinical testing. Allele origin: germline.
Comment: In summary, the available evidence is currently insufficient to determine the role of this variant in disease. Therefore, it has been classified as a Variant of Uncertain Significance. Advanced modeling of protein sequence and biophysical properties (such as structural, functional, and spatial information, amino acid conservation, physicochemical variation, residue mobility, and thermodynamic stability) performed at Invitae indicates that this missense variant is not expected to disrupt PACS1 protein function. This variant has not been reported in the literature in individuals affected with PACS1-related conditions. This variant is present in population databases (rs752296219, gnomAD 0.01%). This sequence change replaces aspartic acid, which is acidic and polar, with asparagine, which is neutral and polar, at codon 307 of the PACS1 protein (p.Asp307Asn).